The following is an entry in ClinVar:

NM_002860.4(ALDH18A1):c.1112G>A (p.Arg371Gln)

Gene: ALDH18A1 (aldehyde dehydrogenase 18 family member A1; minus strand). Cytogenetic location: 10q24.1.
Variant type: single nucleotide variant.
Coding change: c.1112G>A on transcript NM_002860.4 (MANE Select); coding-DNA position 1112, G replaced by A.
Protein change: p.Arg371Gln; replaces arginine 371 with glutamine.
Molecular consequence: missense variant.
Genome position (GRCh38, 1-based): chr10:95,626,743, C>T on the plus strand (G>A on the coding strand, the complement: ALDH18A1 is on the minus strand). VCF-style: chr10-95626743-C-T. GRCh37 (hg19) VCF-style: chr10-97386500-C-T.
Other names: p.Arg371Gln; c.1106G>A, p.Arg369Gln (NM_001017423.2, NM_001323415.2); c.779G>A, p.Arg260Gln (NM_001323412.2, NM_001323416.2); c.1112G>A, p.Arg371Gln (NM_001323413.2, NM_001323414.2); c.1007G>A, p.Arg336Gln (NM_001323417.2); c.773G>A, p.Arg258Gln (NM_001323418.2); c.476G>A, p.Arg159Gln (NM_001323419.2); short protein forms R159Q, R258Q, R260Q, R336Q, R369Q, R371Q.
Identifiers: ClinVar variation 985227 (VCV000985227.15), dbSNP rs745614904, ClinGen allele CA5620417.

ClinVar aggregate classification (germline): Uncertain significance. Review status: criteria provided, multiple submitters, no conflicts (2 of 4 stars). 6 submissions from 6 submitters: Uncertain significance (6). Last evaluated 2026-09-16.

Conditions:
ALDH18A1-related disorder. Also called: ALDH18A1-related disorders.
Hereditary spastic paraplegia 9A. Also called: SPASTIC PARAPARESIS WITH AMYOTROPHY, CATARACTS, AND GASTROESOPHAGEAL REFLUX; SPASTIC PARAPLEGIA 9A, AUTOSOMAL DOMINANT; CATARACTS WITH MOTOR NEURONOPATHY, SHORT STATURE, AND SKELETAL ABNORMALITIES. Identifiers: Orphanet 100990, Orphanet 447753, MedGen C5568978, MONDO:0011006, OMIM 601162.
Autosomal recessive complex spastic paraplegia type 9B. Also called: Spastic paraplegia 9b, autosomal recessive. Identifiers: Orphanet 447760, MedGen C5568980, MONDO:0014702, OMIM 616586.
Cutis laxa, autosomal dominant 3 (ADCL3). Identifiers: Orphanet 90348, MedGen C4225268, MONDO:0014706, OMIM 616603.
ALDH18A1-related de Barsy syndrome. Also called: DE BARSY SYNDROME A; Cutis laxa, autosomal recessive IIIA. Identifiers: Orphanet 2962, Orphanet 35664, MedGen C5234852, MONDO:0009053, OMIM 219150.
de Barsy syndrome. Also called: Cutis laxa-corneal clouding-oligophrenia syndrome. Identifiers: Orphanet 2962, MedGen C0268354, MONDO:0017569.
Autosomal dominant spastic paraplegia type 9. Identifiers: MedGen C1832669, MONDO:0015091.
Inborn genetic diseases. Identifiers: MedGen C0950123, MeSH D030342.

Allele frequency attached by ClinVar (database versions not stated): TOPMed 0.00003; gnomAD 0.00004.

Submissions (6):

PreventionGenetics, part of Exact Sciences
Classification: Uncertain significance for ALDH18A1-related condition. Last evaluated: 2026-09-16. Review status: criteria provided, single submitter. Criteria: ACMG Guidelines, 2015. Collection method: clinical testing. Allele origin: germline.
Comment: The ALDH18A1 c.1112G>A variant is predicted to result in the amino acid substitution p.Arg371Gln. This variant was reported in the compound heterozygous state in two siblings with hereditary spastic paraplegia (Magini et al. 2019. PubMed ID: 31402623). Functional studies suggested that this variant may result in reduced enzyme activity (Magini et al. 2019. PubMed ID: 31402623). This variant is reported in 0.016% of alleles in individuals of African descent in gnomAD and is interpreted as uncertain significance in ClinVar (Variation ID: 985227). Although we suspect that this variant may be pathogenic, at this time, the clinical significance of this variant is uncertain due to the absence of conclusive functional and genetic evidence.

Labcorp Genetics (formerly Invitae), Labcorp
Classification: Uncertain significance for Autosomal dominant spastic paraplegia type 9; de Barsy syndrome; Cutis laxa, autosomal dominant 3. Last evaluated: 2025-09-21. Review status: criteria provided, single submitter. Criteria: Invitae Variant Classification Sherloc (09022015). Collection method: clinical testing. Allele origin: germline.
Comment: This sequence change replaces arginine, which is basic and polar, with glutamine, which is neutral and polar, at codon 371 of the ALDH18A1 protein (p.Arg371Gln). This variant is present in population databases (rs745614904, gnomAD 0.02%). This missense change has been observed in individual(s) with autosomal recessive spastic paraplegia (PMID: 31402623). It has also been observed to segregate with disease in related individuals. ClinVar contains an entry for this variant (Variation ID: 985227). Invitae Evidence Modeling of protein sequence and biophysical properties (such as structural, functional, and spatial information, amino acid conservation, physicochemical variation, residue mobility, and thermodynamic stability) has been performed for this missense variant. However, the output from this modeling did not meet the statistical confidence thresholds required to predict the impact of this variant on ALDH18A1 protein function. Experimental studies have shown that this missense change affects ALDH18A1 function (PMID: 31402623). In summary, the available evidence is currently insufficient to determine the role of this variant in disease. Therefore, it has been classified as a Variant of Uncertain Significance.

GeneDx
Classification: Uncertain significance. Last evaluated: 2024-05-17. Review status: criteria provided, single submitter. Criteria: GeneDx Variant Classification Process June 2021. Collection method: clinical testing. Allele origin: germline. Affected: yes.
Comment: Has been reported in two siblings with hereditary spastic paraplegia (SPG9B) in trans with the ALDH18A1 c.1490 G>A variant (PMID: 31402623); In vitro functional studies suggests that this variant results in partial ALDH18A1 function, but does not affect stability (PMID: 31402623); In silico analysis supports that this missense variant has a deleterious effect on protein structure/function; This variant is associated with the following publications: (PMID: 34093392, 31402623, 32798076)

Mayo Clinic Laboratories, Mayo Clinic
Classification: Uncertain significance. Last evaluated: 2023-03-03. Review status: criteria provided, single submitter. Criteria: ACMG Guidelines, 2015. Collection method: clinical testing. Allele origin: germline. Observed: 1 variant allele.

Department of Pathology and Laboratory Medicine, Sinai Health System
Classification: Uncertain significance for Autosomal recessive complex spastic paraplegia type 9B; Cutis laxa, autosomal dominant 3; ALDH18A1-related de Barsy syndrome; Hereditary spastic paraplegia 9A. Last evaluated: 2022-11-28. Review status: criteria provided, single submitter. Criteria: ACMG Guidelines, 2015. Collection method: research. Allele origin: germline.

Ambry Genetics
Classification: Uncertain significance for Inborn genetic diseases. Last evaluated: 2022-04-01. Review status: criteria provided, single submitter. Criteria: Ambry Variant Classification Scheme 2023. Collection method: clinical testing. Allele origin: germline.
Comment: The c.1112G>A (p.R371Q) alteration is located in exon 10 (coding exon 9) of the ALDH18A1 gene. This alteration results from a G to A substitution at nucleotide position 1112, causing the arginine (R) at amino acid position 371 to be replaced by a glutamine (Q). Based on data from gnomAD, the A allele has an overall frequency of <0.01% (7/282858) total alleles studied. The highest observed frequency was 0.02% (4/24962) of African alleles. No homozygotes were reported in gnomAD. Parental testing confirmed the alterations were in trans (Magini, 2019). This amino acid position is highly conserved in available vertebrate species. The in silico prediction for this alteration is inconclusive. Based on insufficient or conflicting evidence, the clinical significance of this alteration remains unclear.

Literature cited by the submitters: PubMed 31402623 (cited by 3 submitters).